The following is an entry in ClinVar:

NM_001142800.2(EYS):c.7899C>A (p.Tyr2633Ter)

Gene: EYS (EGF-like photoreceptor maintenance factor; minus strand). Cytogenetic location: 6q12.
Variant type: single nucleotide variant.
Coding change: c.7899C>A on transcript NM_001142800.2 (MANE Select); coding-DNA position 7899, C replaced by A.
Protein change: p.Tyr2633Ter; replaces tyrosine 2633 with a stop codon.
Molecular consequence: nonsense.
Genome position (GRCh38, 1-based): chr6:63,762,633, G>T on the plus strand (C>A on the coding strand, the complement: EYS is on the minus strand). VCF-style: chr6-63762633-G-T. GRCh37 (hg19) VCF-style: chr6-64472526-G-T.
Other names: c.7899C>A, p.Tyr2633Ter (NM_001292009.2); short protein forms Y2633*.
Identifiers: ClinVar variation 817535 (VCV000817535.13), dbSNP rs1197863938, ClinGen allele CA364390376.

ClinVar aggregate classification (germline): Pathogenic/Likely pathogenic. Review status: criteria provided, multiple submitters, no conflicts (2 of 4 stars). 4 submissions from 4 submitters: Pathogenic (1); Likely pathogenic (3). Last evaluated 2024-06-10.

Conditions:
Retinitis pigmentosa 25 (RP25). Identifiers: Orphanet 791, MedGen C1864446, MONDO:0011272, OMIM 602772.
EYS-related disorder. Also called: EYS-related condition.

Allele frequency attached by ClinVar (database versions not stated): gnomAD 0.00001; TOPMed 0.00001.
gnomAD v4.1: 3 of 1,549,246 alleles (0.00019%); highest among the groups gnomAD compares: African/African-American, 0.0027%; no homozygotes.

Submissions (4):

Natera, Inc.
Classification: Likely pathogenic for Retinitis pigmentosa type 25. Last evaluated: 2024-06-10. Review status: criteria provided, single submitter. Criteria: Natera Variant Classification Schema (03/2026). Collection method: clinical testing. Allele origin: germline.
Comment: The c.7899C>A variant in EYS is a nonsense variant predicted to introduce a stop codon at amino acid 2633. This variant is expected to result in nonsense mediated decay, truncation, or a dysfunctional protein product. This variant is rare in the general population with a frequency below the threshold expected for the associated phenotype(s). Given the available evidence, this variant is classified as Likely Pathogenic.

Labcorp Genetics (formerly Invitae), Labcorp
Classification: Pathogenic. Last evaluated: 2024-02-26. Review status: criteria provided, single submitter. Criteria: Invitae Variant Classification Sherloc (09022015). Collection method: clinical testing. Allele origin: germline.
Comment: This sequence change creates a premature translational stop signal (p.Tyr2633*) in the EYS gene. It is expected to result in an absent or disrupted protein product. Loss-of-function variants in EYS are known to be pathogenic (PMID: 18836446, 20333770). This variant is not present in population databases (gnomAD no frequency). This variant has not been reported in the literature in individuals affected with EYS-related conditions. ClinVar contains an entry for this variant (Variation ID: 817535). For these reasons, this variant has been classified as Pathogenic.

GeneDx
Classification: Likely pathogenic. Last evaluated: 2023-03-09. Review status: criteria provided, single submitter. Criteria: GeneDx Variant Classification Process June 2021. Collection method: clinical testing. Allele origin: germline. Affected: yes.
Comment: Nonsense variant predicted to result in protein truncation or nonsense mediated decay in a gene for which loss of function is a known mechanism of disease; Not observed at significant frequency in large population cohorts (gnomAD); Has not been previously published as pathogenic or benign to our knowledge

Blueprint Genetics
Classification: Likely pathogenic for EYS-related disorders. Last evaluated: 2020-01-02. Review status: criteria provided, single submitter. Criteria: ACMG Guidelines, 2015. Collection method: clinical testing. Allele origin: germline. Affected: yes. Observed: 4 variant alleles.

Literature cited by the submitters: PubMed 18836446 (cited by Labcorp Genetics (formerly Invitae), Labcorp); PubMed 20333770 (cited by Labcorp Genetics (formerly Invitae), Labcorp).